The following is an entry in ClinVar:

NM_001134363.3(RBM20):c.2587C>T (p.Pro863Ser)

Gene: RBM20 (RNA binding motif protein 20; plus strand). Cytogenetic location: 10q25.2.
Variant type: single nucleotide variant.
Coding change: c.2587C>T on transcript NM_001134363.3 (MANE Select); coding-DNA position 2587, C replaced by T.
Protein change: p.Pro863Ser; replaces proline 863 with serine.
Molecular consequence: missense variant.
Genome position (GRCh38, 1-based): chr10:110,820,108, C>T. VCF-style: chr10-110820108-C-T. GRCh37 (hg19) VCF-style: chr10-112579866-C-T.
Other names: short protein forms P863S.
Identifiers: ClinVar variation 1035014 (VCV001035014.8), dbSNP rs367791037, ClinGen allele CA213228611.

ClinVar aggregate classification (germline): Uncertain significance (1 of 4 stars; one submission).

Conditions:
Dilated cardiomyopathy 1DD (CMD1DD). Identifiers: Orphanet 154, MedGen C2750995, MONDO:0013168, OMIM 613172.

Allele frequency attached by ClinVar (database versions not stated): TOPMed below 0.00001; ESP Exome Variant Server 0.00022.

Submission:

Labcorp Genetics (formerly Invitae), Labcorp
Classification: Uncertain significance for Dilated cardiomyopathy 1DD. Last evaluated: 2020-08-14. Review status: criteria provided, single submitter. Criteria: Invitae Variant Classification Sherloc (09022015). Collection method: clinical testing. Allele origin: germline.
Comment: This sequence change replaces proline with serine at codon 863 of the RBM20 protein (p.Pro863Ser). The proline residue is moderately conserved and there is a moderate physicochemical difference between proline and serine. This variant is not present in population databases (ExAC no frequency). This variant has not been reported in the literature in individuals with RBM20-related conditions. Advanced modeling of protein sequence and biophysical properties (such as structural, functional, and spatial information, amino acid conservation, physicochemical variation, residue mobility, and thermodynamic stability) performed at Invitae indicates that this missense variant is not expected to disrupt RBM20 protein function. In summary, the available evidence is currently insufficient to determine the role of this variant in disease. Therefore, it has been classified as a Variant of Uncertain Significance.